The following is an entry in ClinVar:

NM_000124.4(ERCC6):c.3080C>G (p.Ser1027Ter)

Gene: ERCC6 (ERCC excision repair 6, chromatin remodeling factor; minus strand). Cytogenetic location: 10q11.23.
Variant type: single nucleotide variant.
Coding change: c.3080C>G on transcript NM_000124.4 (MANE Select); coding-DNA position 3080, C replaced by G.
Protein change: p.Ser1027Ter; replaces serine 1027 with a stop codon.
Molecular consequence: nonsense.
Genome position (GRCh38, 1-based): chr10:49,470,880, G>C on the plus strand (C>G on the coding strand, the complement: ERCC6 is on the minus strand). VCF-style: chr10-49470880-G-C. GRCh37 (hg19) VCF-style: chr10-50678926-G-C.
Other names: c.3080C>G, p.Ser1027Ter (NM_001346440.2); short protein forms S1027*.
Identifiers: ClinVar variation 2787186 (VCV002787186.3), dbSNP rs2495973807, ClinGen allele CA376717178.

ClinVar aggregate classification (germline): Pathogenic (1 of 4 stars; one submission).

Allele frequency attached by ClinVar (database versions not stated): gnomAD exomes below 0.00001.
gnomAD v4.1: 3 of 1,613,744 alleles (0.00019%); highest among the groups gnomAD compares: Non-Finnish European, 0.00025%; no homozygotes.

Submission:

Labcorp Genetics (formerly Invitae), Labcorp
Classification: Pathogenic. Last evaluated: 2023-05-12. Review status: criteria provided, single submitter. Criteria: Invitae Variant Classification Sherloc (09022015). Collection method: clinical testing. Allele origin: germline.
Comment: This sequence change creates a premature translational stop signal (p.Ser1027*) in the ERCC6 gene. It is expected to result in an absent or disrupted protein product. Loss-of-function variants in ERCC6 are known to be pathogenic (PMID: 18628313, 29572252). For these reasons, this variant has been classified as Pathogenic. This variant has not been reported in the literature in individuals affected with ERCC6-related conditions. This variant is not present in population databases (gnomAD no frequency).

Literature cited by the submitters: PubMed 18628313; PubMed 29572252.